The following is an entry in ClinVar:

ClinVar aggregate classification (germline): Likely benign. Review status: criteria provided, multiple submitters, no conflicts (2 of 4 stars). 4 submissions from 4 submitters: Likely benign (4). Last evaluated 2025-05-14.

Conditions:
Catecholaminergic polymorphic ventricular tachycardia (CVPT). Also called: Catecholamine-induced polymorphic ventricular tachycardia. Identifiers: Orphanet 3286, MedGen C5574922, MONDO:0017990.
Cardiomyopathy (CMYO). Also called: Cardiomyopathies. Identifiers: Orphanet 167848, MedGen C0878544, MONDO:0004994, HP:0001638. Inheritance: Various modes of inheritance.
Catecholaminergic polymorphic ventricular tachycardia 1. Also called: RYR2-Related Catecholaminergic Polymorphic Ventricular Tachycardia; VENTRICULAR TACHYCARDIA, CATECHOLAMINERGIC POLYMORPHIC, 1, WITH OR WITHOUT ATRIAL DYSFUNCTION AND/OR DILATED CARDIOMYOPATHY; VENTRICULAR TACHYCARDIA, STRESS-INDUCED POLYMORPHIC 1. Identifiers: Orphanet 3286, MedGen C1631597, MONDO:0011484, OMIM 604772.

gnomAD v4.1: 6 of 1,607,988 alleles (0.00037%); highest among the groups gnomAD compares: South Asian, 0.0011%; no homozygotes.

Submissions (4):

ARUP Laboratories, Molecular Genetics and Genomics, ARUP Laboratories
Classification: Likely benign. Last evaluated: 2025-05-14. Review status: criteria provided, single submitter. Criteria: ARUP Molecular Germline Variant Investigation Process 2024. Collection method: clinical testing. Allele origin: germline.

All of Us Research Program, National Institutes of Health
Classification: Likely benign for Catecholaminergic polymorphic ventricular tachycardia. Last evaluated: 2024-08-13. Review status: criteria provided, single submitter. Criteria: ACMG Guidelines, 2015. Collection method: clinical testing. Allele origin: germline. Inheritance: Autosomal dominant inheritance. Observed: 1 variant allele, 1 heterozygote.
Comment: This study involves interpretation of variants in research participants for the purpose of population health screening. Participant phenotype was not available at the time of variant classification. Additional details can be found in publication PMID: 35346344, PMCID: PMC8962531

Labcorp Genetics (formerly Invitae), Labcorp
Classification: Likely benign for Catecholaminergic polymorphic ventricular tachycardia 1. Last evaluated: 2023-11-25. Review status: criteria provided, single submitter. Criteria: Invitae Variant Classification Sherloc (09022015). Collection method: clinical testing. Allele origin: germline.

Color Diagnostics, LLC DBA Color Health
Classification: Likely benign for Cardiomyopathy. Last evaluated: 2022-11-06. Review status: criteria provided, single submitter. Criteria: ACMG Guidelines, 2015. Collection method: clinical testing. Allele origin: germline.

NM_001035.3(RYR2):c.8919G>A (p.Gln2973=)

Gene: RYR2 (ryanodine receptor 2; plus strand). Cytogenetic location: 1q43.
Variant type: single nucleotide variant.
Coding change: c.8919G>A on transcript NM_001035.3 (MANE Select); coding-DNA position 8919, G replaced by A.
Protein change: p.Gln2973=; no amino-acid change (glutamine 2973 retained).
Molecular consequence: synonymous variant.
Genome position (GRCh38, 1-based): chr1:237,680,479, G>A. VCF-style: chr1-237680479-G-A. GRCh37 (hg19) VCF-style: chr1-237843779-G-A.
Identifiers: ClinVar variation 766420 (VCV000766420.15), dbSNP rs1281776816, ClinGen allele CA423821751.
Genomic context (GRCh38, chr1:237,680,479, plus strand): 5'-CCACTACGTAGATCTGTCTTCTTTTCCTTTCTTTCAGGTCGTTCTTCCTTTAATTGATCA[G>A]TATTTCAAAAACCATCGTTTATACTTCTTATCTGCAGCAAGCAGACCTCTCTGCTCTGGA-3'
Protein context (NP_001026.2, residues 2963-2983): FAKVVLPLID[Gln2973=]YFKNHRLYFL